The following is an entry in ClinVar:

NM_001018115.3(FANCD2):c.183G>A (p.Thr61=)

Genes: FANCD2 (FA complementation group D2; plus strand), LOC107303338 (3p25 FANCD2 Alu-mediated recombination region; plus strand). Cytogenetic location: 3p25.3.
Variant type: single nucleotide variant.
Coding change: c.183G>A on transcript NM_001018115.3 (MANE Select); coding-DNA position 183, G replaced by A.
Protein change: p.Thr61=; no amino-acid change (threonine 61 retained).
Molecular consequence: synonymous variant.
Genome position (GRCh38, 1-based): chr3:10,032,950, G>A. VCF-style: chr3-10032950-G-A. GRCh37 (hg19) VCF-style: chr3-10074634-G-A.
Other names: c.183G>A, p.Thr61= (NM_001319984.2, NM_001374253.1, NM_001374254.1 and 2 more transcripts).
Identifiers: ClinVar variation 414650 (VCV000414650.15), dbSNP rs771445756, ClinGen allele CA2249127.
Genomic context (GRCh38, chr3:10,032,950, plus strand): 5'-TGAAGAAAATGACAGCATCTTTGTAAAGCTTCTTAAGATATCAGGAATTATTCTTAAAAC[G>A]GGAGAGAGTCAGAATCAACTAGGTAATATTTTAATCTAATTTTATTCTCTGGGTTTAATG-3'
Protein context (NP_001018125.1, residues 51-71): LLKISGIILK[Thr61=]GESQNQLAVD

ClinVar aggregate classification (germline): Likely benign. Review status: criteria provided, multiple submitters, no conflicts (2 of 4 stars). 3 submissions from 3 submitters: Likely benign (3). Last evaluated 2026-01-01.

Conditions:
Fanconi anemia (FA). Also called: Fanconi's anemia. Identifiers: Orphanet 84, MedGen C0015625, MeSH D005199, MONDO:0019391.

Allele frequency attached by ClinVar (database versions not stated): gnomAD 0.00005; TOPMed 0.00005.
gnomAD v4.1: 60 of 1,588,664 alleles (0.0038%); highest among the groups gnomAD compares: Admixed American, 0.018%; 1 homozygote.

Submissions (3):

CeGaT Center for Human Genetics Tuebingen
Classification: Likely benign. Last evaluated: 2026-01-01. Review status: criteria provided, single submitter. Criteria: CeGaT Center For Human Genetics Tuebingen Variant Classification Criteria Version 2. Collection method: clinical testing. Allele origin: germline. Affected: yes. Observed: 1 variant allele.
Comment: FANCD2: BP4, BP7

Labcorp Genetics (formerly Invitae), Labcorp
Classification: Likely benign for Fanconi anemia. Last evaluated: 2025-12-30. Review status: criteria provided, single submitter. Criteria: Invitae Variant Classification Sherloc (09022015). Collection method: clinical testing. Allele origin: germline.

Blueprint Genetics
Classification: Likely benign. Last evaluated: 2024-01-10. Review status: criteria provided, single submitter. Criteria: ACMG Guidelines, 2015. Collection method: clinical testing. Allele origin: germline.